The following is an entry in ClinVar:

NM_001458.5(FLNC):c.5306A>G (p.Glu1769Gly)

Genes: FLNC (filamin C; plus strand), FLNC-AS1 (FLNC antisense RNA 1; minus strand). Cytogenetic location: 7q32.1.
Variant type: single nucleotide variant.
Coding change: c.5306A>G on transcript NM_001458.5 (MANE Select); coding-DNA position 5306, A replaced by G.
Protein change: p.Glu1769Gly; replaces glutamic acid 1769 with glycine.
Molecular consequence: missense variant. On other transcripts: non-coding transcript variant (1).
Genome position (GRCh38, 1-based): chr7:128,850,391, A>G. VCF-style: chr7-128850391-A-G. GRCh37 (hg19) VCF-style: chr7-128490445-A-G.
Other names: c.5207A>G, p.Glu1736Gly (NM_001127487.2); short protein forms E1736G, E1769G.
Identifiers: ClinVar variation 2000744 (VCV002000744.4), dbSNP rs2536653005, ClinGen allele CA369204905.
Genomic context (GRCh38, chr7:128,850,391, plus strand): 5'-TCAAACTCCTGGGCCTTCCCCAGTCACTGACTGTTCCCTCTCACCTGCTGCAGGCCACAG[A>G]GGAGCCAGTGGTGCCTGTGGAGCCAATGGAGTCCATGCTGAGGCCCTTCAACCTGGTCAT-3'
Protein context (NP_001449.3, residues 1759-1779): PGARPTHWAT[Glu1769Gly]EPVVPVEPME

ClinVar aggregate classification (germline): Uncertain significance (1 of 4 stars; one submission).

Conditions:
Distal myopathy with posterior leg and anterior hand involvement. Also called: WILLIAMS DISTAL MYOPATHY. Identifiers: Orphanet 63273, MedGen C3279722, MONDO:0013550, OMIM 614065.
Myofibrillar myopathy 5. Also called: Filaminopathy (type); FILAMINOPATHY, AUTOSOMAL DOMINANT. Identifiers: Orphanet 171445, MedGen C1836050, MONDO:0012289, OMIM 609524.
Hypertrophic cardiomyopathy 26. Also called: Cardiomyopathy, familial hypertrophic, 26. Identifiers: Orphanet 75249, MedGen C4310749, MONDO:0014883, OMIM 617047.

Submission:

Labcorp Genetics (formerly Invitae), Labcorp
Classification: Uncertain significance for Distal myopathy with posterior leg and anterior hand involvement; Myofibrillar myopathy 5; Hypertrophic cardiomyopathy 26. Last evaluated: 2025-08-11. Review status: criteria provided, single submitter. Criteria: Invitae Variant Classification Sherloc (09022015). Collection method: clinical testing. Allele origin: germline.
Comment: This sequence change replaces glutamic acid, which is acidic and polar, with glycine, which is neutral and non-polar, at codon 1769 of the FLNC protein (p.Glu1769Gly). This variant is not present in population databases (gnomAD no frequency). This variant has not been reported in the literature in individuals affected with FLNC-related conditions. ClinVar contains an entry for this variant (Variation ID: 2000744). An algorithm developed to predict the effect of missense changes on protein structure and function (PolyPhen-2) suggests that this variant is likely to be tolerated. In summary, the available evidence is currently insufficient to determine the role of this variant in disease. Therefore, it has been classified as a Variant of Uncertain Significance.